The following is an entry in ClinVar:

NM_001378743.1(CYLD):c.927T>C (p.Ser309=)

Gene: CYLD (CYLD lysine 63 deubiquitinase; plus strand). Cytogenetic location: 16q12.1.
Variant type: single nucleotide variant.
Coding change: c.927T>C on transcript NM_001378743.1 (MANE Select); coding-DNA position 927, T replaced by C.
Protein change: p.Ser309=; no amino-acid change (serine 309 retained).
Molecular consequence: synonymous variant. On other transcripts: non-coding transcript variant (1).
Genome position (GRCh38, 1-based): chr16:50,776,183, T>C. VCF-style: chr16-50776183-T-C. GRCh37 (hg19) VCF-style: chr16-50810094-T-C.
Other names: c.918T>C, p.Ser306= (NM_001042355.2, NM_001042412.3, NM_001378744.1 and 9 more transcripts); c.252T>C, p.Ser84= (NM_001378754.1, NM_001378755.1); c.927T>C, p.Ser309= (NM_015247.3).
Identifiers: ClinVar variation 5040731 (VCV005040731.1).
Genomic context (GRCh38, chr16:50,776,183, plus strand): 5'-GTTTCTCTTCTATAAGAATTTGCCTTTATCTTTAAAAAACATGCTTACTGTTTCAGAGAG[T>C]GTGACGCAGGAAAGGAGGCCTCCCAAACTTGCCTTTATGTCAAGAGGTGTTGGGGACAAA-3'
Protein context (NP_001365672.1, residues 299-319): INDIIPALSE[Ser309=]VTQERRPPKL

ClinVar aggregate classification (germline): Likely benign (1 of 4 stars; one submission).

gnomAD v4.1: 13 of 1,609,126 alleles (0.00081%); highest among the groups gnomAD compares: Admixed American, 0.022%; no homozygotes.

Submission:

CeGaT Center for Human Genetics Tuebingen
Classification: Likely benign. Last evaluated: 2026-08-01. Review status: criteria provided, single submitter. Criteria: CeGaT Center For Human Genetics Tuebingen Variant Classification Criteria Version 2. Collection method: clinical testing. Allele origin: germline. Affected: yes. Observed: 1 variant allele.
Comment: CYLD: BP4, BP7